The following is an entry in ClinVar:

NM_001853.4(COL9A3):c.1786+5G>A

Gene: COL9A3 (collagen type IX alpha 3 chain; plus strand). Cytogenetic location: 20q13.33.
Variant type: single nucleotide variant.
Coding change: c.1786+5G>A on transcript NM_001853.4 (MANE Select); 5 bases into the intron after coding-DNA position 1786, G replaced by A.
Molecular consequence: intron variant.
Genome position (GRCh38, 1-based): chr20:62,837,270, G>A. VCF-style: chr20-62837270-G-A. GRCh37 (hg19) VCF-style: chr20-61468622-G-A.
Identifiers: ClinVar variation 1049831 (VCV001049831.2), dbSNP rs2147229797, ClinGen allele CA2499225795.

ClinVar aggregate classification (germline): Uncertain significance. Review status: criteria provided, single submitter (1 of 4 stars). 2 submissions from 2 submitters: Uncertain significance (1). 1 of the submissions does not count toward it. Last evaluated 2022-05-20.

Allele frequency attached by ClinVar (database versions not stated): gnomAD exomes below 0.00001.
gnomAD v4.1: 3 of 1,608,846 alleles (0.00019%); highest among the groups gnomAD compares: Non-Finnish European, 0.00025%; no homozygotes.

Submissions (2):

Blueprint Genetics
Classification: Uncertain significance. Last evaluated: 2022-05-20. Review status: criteria provided, single submitter. Criteria: ACMG Guidelines, 2015. Collection method: clinical testing. Allele origin: germline.

Department of Pathology and Laboratory Medicine, Sinai Health System
Classification: Uncertain significance. Review status: no assertion criteria provided. Collection method: clinical testing. Allele origin: unknown. Affected: yes. Study: The Canadian Open Genetics Repository (COGR). Not counted in ClinVar's aggregate classification.
Comment: The COL9A3 c.1786+5G>A variant was not identified in the literature nor was it identified in dbSNP, ClinVar, Cosmic or LOVD 3.0. The variant was not identified in the following control databases: the 1000 Genomes Project, the NHLBI GO Exome Sequencing Project, the Exome Aggregation Consortium (August 8th 2016), or the Genome Aggregation Database (Feb 27, 2017). The c.1786+5G>A variant is located in the 5' splice region but does not affect the invariant +1 and +2 positions. However, positions +3 to +6 are part of the splicing consensus sequence and variants involving these positions sometimes affect splicing. In addition, 4 of 4 in silico or computational prediction software programs (SpliceSiteFinder, MaxEntScan, NNSPLICE, GeneSplicer) predict a greater than 10% difference in splicing. MutationTaster predicts the variant to be disease-causing (prob:1). In summary, based on the above information the clinical significance of this variant cannot be determined with certainty at this time. The variant is classified as a variant of uncertain significance.